The following is an entry in ClinVar:

NM_004364.5(CEBPA):c.916C>A (p.Arg306Ser)

Gene: CEBPA (CCAAT enhancer binding protein alpha; minus strand). Cytogenetic location: 19q13.11.
Variant type: single nucleotide variant.
Coding change: c.916C>A on transcript NM_004364.5 (MANE Select); coding-DNA position 916, C replaced by A.
Protein change: p.Arg306Ser; replaces arginine 306 with serine.
Molecular consequence: missense variant.
Genome position (GRCh38, 1-based): chr19:33,301,499, G>T on the plus strand (C>A on the coding strand, the complement: CEBPA is on the minus strand). VCF-style: chr19-33301499-G-T. GRCh37 (hg19) VCF-style: chr19-33792405-G-T.
Other names: c.559C>A, p.Arg187Ser (NM_001285829.2); c.1021C>A, p.Arg341Ser (NM_001287424.2); c.874C>A, p.Arg292Ser (NM_001287435.2); short protein forms R292S, R341S, R187S, R306S.
Identifiers: ClinVar variation 2841236 (VCV002841236.3), dbSNP rs2145259050, ClinGen allele CA405273932.
Genomic context (GRCh38, chr19:33,301,499, plus strand): 5'-TGCGCAGGCGGTCATTGTCACTGGTCAGCTCCAGCACCTTCTGCTGCGTCTCCACGTTGC[G>T]CTGCTTGGCCTTGTCGCGGCTCTTGCGCACCGCGATGTTGTTGCGCTCGCGCCGCACCCG-3'
Protein context (NP_004355.2, residues 296-316): VRKSRDKAKQ[Arg306Ser]NVETQQKVLE

ClinVar aggregate classification (germline): Uncertain significance (1 of 4 stars; one submission).

Conditions:
Acute myeloid leukemia (AML). Also called: Acute myeloid leukemia, adult; AML adult; Acute non-lymphocytic leukemia; Acute granulocytic leukemia; Leukemia, acute myeloid, somatic; Leukemia, acute myelogenous, somatic. Identifiers: Orphanet 519, MedGen C0023467, MeSH D015470, MONDO:0018874, OMIM 601626, HP:0004808. Disease mechanism: Constitutively activated FLT3.

Submission:

Labcorp Genetics (formerly Invitae), Labcorp
Classification: Uncertain significance for Acute myeloid leukemia. Last evaluated: 2023-02-27. Review status: criteria provided, single submitter. Criteria: Invitae Variant Classification Sherloc (09022015). Collection method: clinical testing. Allele origin: germline.
Comment: This variant is not present in population databases (gnomAD no frequency). This variant has not been reported in the literature in individuals affected with CEBPA-related conditions. Advanced modeling of protein sequence and biophysical properties (such as structural, functional, and spatial information, amino acid conservation, physicochemical variation, residue mobility, and thermodynamic stability) performed at Invitae indicates that this missense variant is expected to disrupt CEBPA protein function. In summary, the available evidence is currently insufficient to determine the role of this variant in disease. Therefore, it has been classified as a Variant of Uncertain Significance. This sequence change replaces arginine, which is basic and polar, with serine, which is neutral and polar, at codon 306 of the CEBPA protein (p.Arg306Ser).